The following is an entry in ClinVar:

NM_001025616.3(ARHGAP24):c.1421C>T (p.Thr474Met)

Gene: ARHGAP24 (Rho GTPase activating protein 24; plus strand). Cytogenetic location: 4q21.23.
Variant type: single nucleotide variant.
Coding change: c.1421C>T on transcript NM_001025616.3 (MANE Select); coding-DNA position 1421, C replaced by T.
Protein change: p.Thr474Met; replaces threonine 474 with methionine.
Molecular consequence: missense variant.
Genome position (GRCh38, 1-based): chr4:85,995,075, C>T. VCF-style: chr4-85995075-C-T. GRCh37 (hg19) VCF-style: chr4-86916228-C-T.
Other names: c.1136C>T, p.Thr379Met (NM_001042669.2); c.1166C>T, p.Thr389Met (NM_001287805.2); c.842C>T, p.Thr281Met (NM_001346093.2); c.1142C>T, p.Thr381Met (NM_031305.3); c.1421C>T (NM_001025616.2); short protein forms T381M, T389M, T281M, T379M, T474M.
Identifiers: ClinVar variation 2081394 (VCV002081394.5), dbSNP rs146506120, ClinGen allele CA2994738.

ClinVar aggregate classification (germline): Uncertain significance. Review status: criteria provided, multiple submitters, no conflicts (2 of 4 stars). 2 submissions from 2 submitters: Uncertain significance (2). Last evaluated 2026-05-26.

Conditions:
ARHGAP24-related disorder. Also called: ARHGAP24-related condition.

Allele frequency attached by ClinVar (database versions not stated): gnomAD 0.00003; TOPMed 0.00003; ExAC 0.00004; ESP Exome Variant Server 0.00023.
gnomAD v4.1: 34 of 1,613,864 alleles (0.0021%); highest among the groups gnomAD compares: African/African-American, 0.0067%; no homozygotes.

Submissions (2):

PreventionGenetics, part of Exact Sciences
Classification: Uncertain significance for ARHGAP24-related condition. Last evaluated: 2026-05-26. Review status: criteria provided, single submitter. Criteria: ACMG Guidelines, 2015. Collection method: clinical testing. Allele origin: germline.
Comment: The ARHGAP24 c.1421C>T variant is predicted to result in the amino acid substitution p.Thr474Met. This variant was reported in the heterozygous state in an individual with focal segmental glomerulosclerosis (FSGS) and chronic kidney disease (Supplementary Table 3, Domingo-Gallego et al. 2022. PubMed ID: 33532864). This variant is reported in 0.0080% of alleles in individuals of African descent in gnomAD. At this time, the clinical significance of this variant is uncertain due to the absence of conclusive functional and genetic evidence.

Labcorp Genetics (formerly Invitae), Labcorp
Classification: Uncertain significance. Last evaluated: 2022-10-17. Review status: criteria provided, single submitter. Criteria: Invitae Variant Classification Sherloc (09022015). Collection method: clinical testing. Allele origin: germline.
Comment: This sequence change replaces threonine, which is neutral and polar, with methionine, which is neutral and non-polar, at codon 474 of the ARHGAP24 protein (p.Thr474Met). This variant is present in population databases (rs146506120, gnomAD 0.005%). In summary, the available evidence is currently insufficient to determine the role of this variant in disease. Therefore, it has been classified as a Variant of Uncertain Significance. Algorithms developed to predict the effect of missense changes on protein structure and function are either unavailable or do not agree on the potential impact of this missense change (SIFT: "Deleterious"; PolyPhen-2: "Probably Damaging"; Align-GVGD: "Class C0"). This variant has not been reported in the literature in individuals affected with ARHGAP24-related conditions.